The following is an entry in ClinVar:

ClinVar aggregate classification (germline): Uncertain significance (1 of 4 stars; one submission).

Allele frequency attached by ClinVar (database versions not stated): TOPMed below 0.00001.
gnomAD v4.1: 6 of 1,593,712 alleles (0.00038%); highest among the groups gnomAD compares: Non-Finnish European, 0.00052%; no homozygotes.

Submission:

Labcorp Genetics (formerly Invitae), Labcorp
Classification: Uncertain significance. Last evaluated: 2022-07-22. Review status: criteria provided, single submitter. Criteria: Invitae Variant Classification Sherloc (09022015). Collection method: clinical testing. Allele origin: germline.
Comment: This variant is present in population databases (no rsID available, gnomAD 0.002%). In summary, the available evidence is currently insufficient to determine the role of this variant in disease. Therefore, it has been classified as a Variant of Uncertain Significance. Algorithms developed to predict the effect of missense changes on protein structure and function are either unavailable or do not agree on the potential impact of this missense change (SIFT: "Deleterious"; PolyPhen-2: "Probably Damaging"; Align-GVGD: "Class C0"). This variant has not been reported in the literature in individuals affected with HACE1-related conditions. This sequence change replaces leucine, which is neutral and non-polar, with valine, which is neutral and non-polar, at codon 895 of the HACE1 protein (p.Leu895Val).

NM_020771.4(HACE1):c.2683C>G (p.Leu895Val)

Gene: HACE1 (HECT domain and ankyrin repeat containing E3 ubiquitin protein ligase 1; minus strand). Cytogenetic location: 6q16.3.
Variant type: single nucleotide variant.
Coding change: c.2683C>G on transcript NM_020771.4 (MANE Select); coding-DNA position 2683, C replaced by G.
Protein change: p.Leu895Val; replaces leucine 895 with valine.
Molecular consequence: missense variant. On other transcripts: non-coding transcript variant (7).
Genome position (GRCh38, 1-based): chr6:104,729,709, G>C on the plus strand (C>G on the coding strand, the complement: HACE1 is on the minus strand). VCF-style: chr6-104729709-G-C. GRCh37 (hg19) VCF-style: chr6-105177584-G-C.
Other names: c.2551C>G, p.Leu851Val (NM_001321080.2); c.2581C>G, p.Leu861Val (NM_001321083.2); c.2179C>G, p.Leu727Val (NM_001321084.2, NM_001350557.2, NM_001350558.2); c.2449C>G, p.Leu817Val (NM_001350554.2); c.2392C>G, p.Leu798Val (NM_001350555.2); c.2197C>G, p.Leu733Val (NM_001350556.2); c.2101C>G, p.Leu701Val (NM_001350559.2); c.1900C>G, p.Leu634Val (NM_001350560.2); short protein forms L701V, L798V, L733V, L634V, L727V, L861V, L817V, L851V.
Identifiers: ClinVar variation 1897031 (VCV001897031.5), dbSNP rs903180713, ClinGen allele CA145423425.
Genomic context (GRCh38, chr6:104,729,709, plus strand): 5'-TTTCCAGACTTCATTATGCCATTGTGTAACCATAGCTGCCACAATGTAGTGCCACAAGAA[G>C]TCTGTCCTTGAGTATTTCTTTACTTGGGTATTCAGGTAACTTGAGCATGTTGATGCTTTA-3'
Protein context (NP_065822.2, residues 885-905): YPSKEILKDR[Leu895Val]LVALHCGSYG